The following is an entry in ClinVar:

NM_032043.3(BRIP1):c.3026G>A (p.Gly1009Glu)

Gene: BRIP1 (BRCA1 interacting DNA helicase 1; minus strand). Cytogenetic location: 17q23.2.
Variant type: single nucleotide variant.
Coding change: c.3026G>A on transcript NM_032043.3 (MANE Select); coding-DNA position 3026, G replaced by A.
Protein change: p.Gly1009Glu; replaces glycine 1009 with glutamic acid.
Molecular consequence: missense variant.
Genome position (GRCh38, 1-based): chr17:61,684,020, C>T on the plus strand (G>A on the coding strand, the complement: BRIP1 is on the minus strand). VCF-style: chr17-61684020-C-T. GRCh37 (hg19) VCF-style: chr17-59761381-C-T.
Other names: short protein forms G1009E.
Identifiers: ClinVar variation 481639 (VCV000481639.15), dbSNP rs1555572908, ClinGen allele CA400479966.
Genomic context (GRCh38, chr17:61,684,020, plus strand): 5'-CTATTCTCTGATGACCCGAGCTCAGGTGTTGCCTTCGGTATTTTACCAGTAAAATACTGT[C>T]CCAAAGAATTAAAGCTTGACCAGCTAACTCTCTTTGTTTGTTTGTTGAAAGTTGGGCTTG-3'
Protein context (NP_114432.2, residues 999-1019): RVSWSSFNSL[Gly1009Glu]QYFTGKIPKA

ClinVar aggregate classification (germline): Conflicting classifications of pathogenicity. Review status: criteria provided, conflicting classifications (1 of 4 stars). 3 submissions from 3 submitters: Uncertain significance (2); Likely benign (1). Last evaluated 2024-03-24.

Conditions:
Hereditary cancer-predisposing syndrome. Also called: Hereditary neoplastic syndrome; Neoplastic Syndromes, Hereditary; Tumor predisposition; Hereditary Cancer Syndrome. Identifiers: Orphanet 140162, MedGen C0027672, MeSH D009386, MONDO:0015356.
Fanconi anemia complementation group J. Also called: BRIP1-Related Fanconi Anemia. Identifiers: Orphanet 84, MedGen C1836860, MONDO:0012187, OMIM 609054.
Familial cancer of breast. Also called: BREAST CANCER, FAMILIAL; Hereditary breast cancer; hereditary breast carcinoma. Identifiers: Orphanet 227535, MedGen C0346153, MONDO:0016419, OMIM 114480. Disease mechanism: loss of function.

Allele frequency attached by ClinVar (database versions not stated): gnomAD exomes below 0.00001.
gnomAD v4.1: 2 of 1,614,044 alleles (0.00012%); highest among the groups gnomAD compares: East Asian, 0.0022%; no homozygotes.

Submissions (3):

GeneDx
Classification: Uncertain significance. Last evaluated: 2024-03-24. Review status: criteria provided, single submitter. Criteria: GeneDx Variant Classification Process June 2021. Collection method: clinical testing. Allele origin: germline. Affected: yes.
Comment: Not observed at significant frequency in large population cohorts (gnomAD); In silico analysis supports that this missense variant does not alter protein structure/function; Has not been previously published as pathogenic or benign to our knowledge; This variant is associated with the following publications: (PMID: 11301010)

Labcorp Genetics (formerly Invitae), Labcorp
Classification: Uncertain significance for Familial cancer of breast; Fanconi anemia complementation group J. Last evaluated: 2022-08-31. Review status: criteria provided, single submitter. Criteria: Invitae Variant Classification Sherloc (09022015). Collection method: clinical testing. Allele origin: germline.
Comment: This variant has not been reported in the literature in individuals affected with BRIP1-related conditions. This variant is not present in population databases (gnomAD no frequency). This sequence change replaces glycine, which is neutral and non-polar, with glutamic acid, which is acidic and polar, at codon 1009 of the BRIP1 protein (p.Gly1009Glu). ClinVar contains an entry for this variant (Variation ID: 481639). In summary, the available evidence is currently insufficient to determine the role of this variant in disease. Therefore, it has been classified as a Variant of Uncertain Significance. Algorithms developed to predict the effect of missense changes on protein structure and function output the following: SIFT: "Tolerated"; PolyPhen-2: "Benign"; Align-GVGD: "Class C0". The glutamic acid amino acid residue is found in multiple mammalian species, which suggests that this missense change does not adversely affect protein function.

Ambry Genetics
Classification: Likely benign for Hereditary cancer-predisposing syndrome. Last evaluated: 2016-04-15. Review status: criteria provided, single submitter. Criteria: Ambry Variant Classification Scheme 2023. Collection method: clinical testing. Allele origin: germline.